The following is an entry in ClinVar:

ClinVar aggregate classification (germline): Uncertain significance. Review status: criteria provided, multiple submitters, no conflicts (2 of 4 stars). 3 submissions from 3 submitters: Uncertain significance (3). Last evaluated 2024-07-24.

Conditions:
Inborn genetic diseases. Identifiers: MedGen C0950123, MeSH D030342.
Epidermolysis bullosa simplex 5B, with muscular dystrophy (EBS5B). Also called: Epidermolysis bullosa simplex with muscular dystrophy; EPIDERMOLYSIS BULLOSA SIMPLEX AND LIMB-GIRDLE MUSCULAR DYSTROPHY. Identifiers: Orphanet 257, MedGen C2931072, MONDO:0009181, OMIM 226670.
Epidermolysis bullosa simplex, Ogna type (EBS5A). Also called: Pidermolysis bullosa simplex 5A, Ogna type; EPIDERMOLYSIS BULLOSA SIMPLEX 5A, OGNA TYPE. Identifiers: Orphanet 79401, MedGen C0432317, MONDO:0007555, OMIM 131950.
Epidermolysis bullosa simplex with nail dystrophy (EBS5D). Identifiers: MedGen C4225309, MONDO:0014661, OMIM 616487.
Epidermolysis bullosa simplex 5C, with pyloric atresia (EBS5C). Also called: PLEC1-Related Epidermolysis Bullosa with Pyloric Atresia; PLEC-Related Epidermolysis Bullosa with Pyloric Atresia; Epidermolysis bullosa simplex with pyloric atresia. Identifiers: Orphanet 158684, MedGen C2677349, MONDO:0012807, OMIM 612138.
Autosomal recessive limb-girdle muscular dystrophy type 2Q (LGMDR17). Also called: MUSCULAR DYSTROPHY, LIMB-GIRDLE, AUTOSOMAL RECESSIVE 17. Identifiers: Orphanet 254361, MedGen C3150989, MONDO:0013390, OMIM 613723.

Allele frequency attached by ClinVar (database versions not stated): gnomAD 0.00001.
gnomAD v4.1: 3 of 1,609,690 alleles (0.00019%); highest among the groups gnomAD compares: Non-Finnish European, 0.00025%; no homozygotes.

Submissions (3):

Revvity Omics, Revvity
Classification: Uncertain significance. Last evaluated: 2024-07-24. Review status: criteria provided, single submitter. Criteria: ACMG Guidelines, 2015. Collection method: clinical testing. Allele origin: germline.

Ambry Genetics
Classification: Uncertain significance for Inborn genetic diseases. Last evaluated: 2023-08-14. Review status: criteria provided, single submitter. Criteria: Ambry Variant Classification Scheme 2023. Collection method: clinical testing. Allele origin: germline.

Labcorp Genetics (formerly Invitae), Labcorp
Classification: Uncertain significance for Autosomal recessive limb-girdle muscular dystrophy type 2Q; Epidermolysis bullosa simplex, Ogna type; Epidermolysis bullosa simplex with nail dystrophy; Epidermolysis bullosa simplex 5C, with pyloric atresia; Epidermolysis bullosa simplex 5B, with muscular dystrophy. Last evaluated: 2022-09-17. Review status: criteria provided, single submitter. Criteria: Invitae Variant Classification Sherloc (09022015). Collection method: clinical testing. Allele origin: germline.
Comment: In summary, the available evidence is currently insufficient to determine the role of this variant in disease. Therefore, it has been classified as a Variant of Uncertain Significance. Advanced modeling of protein sequence and biophysical properties (such as structural, functional, and spatial information, amino acid conservation, physicochemical variation, residue mobility, and thermodynamic stability) performed at Invitae indicates that this missense variant is not expected to disrupt PLEC protein function. This variant has not been reported in the literature in individuals affected with PLEC-related conditions. This variant is present in population databases (no rsID available, gnomAD 0.007%). This sequence change replaces histidine, which is basic and polar, with glutamine, which is neutral and polar, at codon 4192 of the PLEC protein (p.His4192Gln).

NM_201384.3(PLEC):c.12495C>A (p.His4165Gln)

Gene: PLEC (plectin; minus strand). Cytogenetic location: 8q24.3.
Variant type: single nucleotide variant.
Coding change: c.12495C>A on transcript NM_201384.3 (MANE Select); coding-DNA position 12495, C replaced by A.
Protein change: p.His4165Gln; replaces histidine 4165 with glutamine.
Molecular consequence: missense variant.
Genome position (GRCh38, 1-based): chr8:143,917,326, G>T on the plus strand (C>A on the coding strand, the complement: PLEC is on the minus strand). VCF-style: chr8-143917326-G-T. GRCh37 (hg19) VCF-style: chr8-144991494-G-T.
Other names: c.12576C>A (NM_000445.3); c.12576C>A, p.His4192Gln (NM_000445.5); c.9195C>A, p.His3065Gln (NM_001410941.1); c.12453C>A, p.His4151Gln (NM_201378.4); c.12429C>A, p.His4143Gln (NM_201379.3); c.12906C>A, p.His4302Gln (NM_201380.4); c.12399C>A, p.His4133Gln (NM_201381.3); c.12495C>A, p.His4165Gln (NM_201382.4); and 1 more; short protein forms H3065Q, H4133Q, H4169Q, H4192Q, H4302Q, H4165Q, H4151Q, H4143Q.
Identifiers: ClinVar variation 1964567 (VCV001964567.8), dbSNP rs782564756, ClinGen allele CA372481346.
Genomic context (GRCh38, chr8:143,917,326, plus strand): 5'-GGAGGAGATGGTGATCTCCTCCCACTCGCACTCCTGCTCGGACAGCTCCAGGTACGTCTG[G>T]TGGTCAATCAGGCCCTTGCGGTAGGCCTCGTACACTGACATCTCCTTGCCCGTCTCGGGG-3'
Protein context (NP_958786.1, residues 4155-4175): YEAYRKGLID[His4165Gln]QTYLELSEQE